The following is an entry in ClinVar:

NM_001369.3(DNAH5):c.6247A>C (p.Met2083Leu)

Gene: DNAH5 (dynein axonemal heavy chain 5; minus strand). Cytogenetic location: 5p15.2.
Variant type: single nucleotide variant.
Coding change: c.6247A>C on transcript NM_001369.3 (MANE Select); coding-DNA position 6247, A replaced by C.
Protein change: p.Met2083Leu; replaces methionine 2083 with leucine.
Molecular consequence: missense variant.
Genome position (GRCh38, 1-based): chr5:13,830,028, T>G on the plus strand (A>C on the coding strand, the complement: DNAH5 is on the minus strand). VCF-style: chr5-13830028-T-G. GRCh37 (hg19) VCF-style: chr5-13830137-T-G.
Other names: short protein forms M2083L.
Identifiers: ClinVar variation 2631723 (VCV002631723.3), dbSNP rs760567496, ClinGen allele CA359200565.

ClinVar aggregate classification (germline): Uncertain significance (0 of 4 stars; one submission).

Conditions:
DNAH5-related disorder. Also called: DNAH5-related condition.

Submission:

PreventionGenetics, part of Exact Sciences
Classification: Uncertain significance for DNAH5-related condition. Last evaluated: 2024-01-04. Review status: no assertion criteria provided. Collection method: clinical testing. Allele origin: germline.
Comment: The DNAH5 c.6247A>C variant is predicted to result in the amino acid substitution p.Met2083Leu. To our knowledge, this variant has not been reported in the literature or in a large population database, indicating this variant is rare. At this time, the clinical significance of this variant is uncertain due to the absence of conclusive functional and genetic evidence.